The following is an entry in ClinVar:

NM_000492.4(CFTR):c.1819del (p.Met607fs)

Gene: CFTR (CF transmembrane conductance regulator; plus strand). Cytogenetic location: 7q31.2.
Variant type: Deletion.
Coding change: c.1819del on transcript NM_000492.4 (MANE Select); coding-DNA position 1819, one base deleted (A; older notation c.1819delA).
Protein change: p.Met607fs; shifts the reading frame from methionine 607.
Molecular consequence: frameshift variant.
Genome position (GRCh38, 1-based): chr7:117,591,986, A deleted; the last of 4 consecutive A bases (chr7:117,591,983-117,591,986); deleting any one gives the same sequence. VCF-style (leftmost placement, unchanged base first): chr7-117591982-TA-T. GRCh37 (hg19) VCF-style: chr7-117232036-TA-T.
Other names: short protein forms M607fs.
Identifiers: ClinVar variation 3644388 (VCV003644388.2).

ClinVar aggregate classification (germline): Pathogenic (1 of 4 stars; one submission).

Conditions:
Cystic fibrosis (CF). Also called: MUCOVISCIDOSIS. Identifiers: Orphanet 586, MedGen C0010674, MONDO:0009061, OMIM 219700. Disease mechanism: loss of function.

Submission:

Labcorp Genetics (formerly Invitae), Labcorp
Classification: Pathogenic for Cystic fibrosis. Last evaluated: 2024-03-03. Review status: criteria provided, single submitter. Criteria: Invitae Variant Classification Sherloc (09022015). Collection method: clinical testing. Allele origin: germline.
Comment: This sequence change creates a premature translational stop signal (p.Met607Trpfs*4) in the CFTR gene. It is expected to result in an absent or disrupted protein product. Loss-of-function variants in CFTR are known to be pathogenic (PMID: 1695717, 7691345, 9725922). This variant is not present in population databases (gnomAD no frequency). This variant has not been reported in the literature in individuals affected with CFTR-related conditions. For these reasons, this variant has been classified as Pathogenic.

Literature cited by the submitters: PubMed 1695717; PubMed 7691345; PubMed 9725922.